The following is an entry in ClinVar:

NM_006579.3(EBP):c.339-4G>A

Gene: EBP (EBP cholestenol delta-isomerase; plus strand). Cytogenetic location: Xp11.23.
Variant type: single nucleotide variant.
Coding change: c.339-4G>A on transcript NM_006579.3 (MANE Select); 4 bases into the intron before coding-DNA position 339, G replaced by A.
Molecular consequence: intron variant.
Genome position (GRCh38, 1-based): chrX:48,527,151, G>A. VCF-style: chrX-48527151-G-A. GRCh37 (hg19) VCF-style: chrX-48385539-G-A.
Identifiers: ClinVar variation 4875060 (VCV004875060.2).
Genomic context (GRCh38, chrX:48,527,151, plus strand): 5'-CTAATGGGCTAACCTGTAGGAAGAGCACACCGATACCAGTGTCCCCTCATGCTTTCTCCT[G>A]CAGGGGTGACAACTTCACAGTGTGCATGGAAACCATCACAGCTTGCCTGTGGGGACCACT-3'

ClinVar aggregate classification (germline): Uncertain significance (1 of 4 stars; one submission).

Submission:

CeGaT Center for Human Genetics Tuebingen
Classification: Uncertain significance. Last evaluated: 2026-05-01. Review status: criteria provided, single submitter. Criteria: CeGaT Center For Human Genetics Tuebingen Variant Classification Criteria Version 2. Collection method: clinical testing. Allele origin: germline. Affected: yes. Observed: 1 variant allele.
Comment: EBP: PM2, BP4